The following is an entry in ClinVar:

NM_000132.4(F8):c.5994del (p.Pro1999fs)

Gene: F8 (coagulation factor VIII; minus strand). Cytogenetic location: Xq28.
Variant type: Deletion.
Coding change: c.5994del on transcript NM_000132.4 (MANE Select); coding-DNA position 5994, one base deleted (T; older notation c.5994delT).
Protein change: p.Pro1999fs; shifts the reading frame from proline 1999.
Molecular consequence: frameshift variant.
Genome position (GRCh38, 1-based): chrX:154,903,910, A deleted on the plus strand (T on the coding strand, the reverse complement: F8 is on the minus strand). VCF-style (leftmost placement, unchanged base first): chrX-154903909-GA-G. GRCh37 (hg19) VCF-style: chrX-154132184-GA-G.
Other names: short protein forms P1999fs.
Identifiers: ClinVar variation 2444210 (VCV002444210.1), dbSNP rs2523883814, ClinGen allele CA2580101787.

ClinVar aggregate classification (germline): Likely pathogenic (1 of 4 stars; one submission).

Conditions:
Hereditary factor VIII deficiency disease (HEMA). Also called: Hemophilia A, congenital; HEM A; Factor 8 deficiency, congenital; HEMOPHILIA, CLASSIC; AUTOSOMAL HEMOPHILIA A; Hemophilia A. Identifiers: Orphanet 98878, MedGen C0019069, MONDO:0010602, OMIM 306700.

Submission:

3billion
Classification: Likely pathogenic for Hereditary factor VIII deficiency disease. Last evaluated: 2023-02-23. Review status: criteria provided, single submitter. Criteria: ACMG Guidelines, 2015. Collection method: clinical testing. Allele origin: unknown. Affected: yes.
Comment: The variant is not observed in the gnomAD v2.1.1 dataset. This variant was predicted to result in a loss or disruption of normal protein function through nonsense-mediated decay (NMD) or protein truncation. Multiple pathogenic variants are reported downstream of the variant. Therefore, this variant is classified as Likely pathogenic according to the recommendation of ACMG/AMP guideline.